The following is an entry in ClinVar:

ClinVar aggregate classification (germline): Uncertain significance (1 of 4 stars; one submission).

Conditions:
Neonatal-onset encephalopathy with rigidity and seizures. Also called: Lethal neonatal spasticity-epileptic encephalopathy syndrome. Identifiers: Orphanet 435845, MedGen C3281029, MONDO:0013784, OMIM 614498.

Allele frequency attached by ClinVar (database versions not stated): TOPMed below 0.00001.
gnomAD v4.1: 1 of 1,604,710 alleles (0.000062%); highest among the groups gnomAD compares: African/African-American, 0.0013%; no homozygotes.

Submission:

Labcorp Genetics (formerly Invitae), Labcorp
Classification: Uncertain significance for Neonatal-onset encephalopathy with rigidity and seizures. Last evaluated: 2019-08-27. Review status: criteria provided, single submitter. Criteria: Invitae Variant Classification Sherloc (09022015). Collection method: clinical testing. Allele origin: germline.
Comment: This variant has not been reported in the literature in individuals with BRAT1-related conditions. This variant is not present in population databases (ExAC no frequency). This sequence change replaces glutamic acid with aspartic acid at codon 306 of the BRAT1 protein (p.Glu306Asp). The glutamic acid residue is moderately conserved and there is a small physicochemical difference between glutamic acid and aspartic acid. Algorithms developed to predict the effect of missense changes on protein structure and function (SIFT, PolyPhen-2, Align-GVGD) all suggest that this variant is likely to be tolerated, but these predictions have not been confirmed by published functional studies and their clinical significance is uncertain. In summary, the available evidence is currently insufficient to determine the role of this variant in disease. Therefore, it has been classified as a Variant of Uncertain Significance.

NM_152743.4(BRAT1):c.918G>C (p.Glu306Asp)

Gene: BRAT1 (BRCA1 associated ATM activator 1; minus strand). Cytogenetic location: 7p22.3.
Variant type: single nucleotide variant.
Coding change: c.918G>C on transcript NM_152743.4 (MANE Select); coding-DNA position 918, G replaced by C.
Protein change: p.Glu306Asp; replaces glutamic acid 306 with aspartic acid.
Molecular consequence: missense variant. On other transcripts: non-coding transcript variant (1).
Genome position (GRCh38, 1-based): chr7:2,543,209, C>G on the plus strand (G>C on the coding strand, the complement: BRAT1 is on the minus strand). VCF-style: chr7-2543209-C-G. GRCh37 (hg19) VCF-style: chr7-2582843-C-G.
Other names: c.918G>C, p.Glu306Asp (NM_001350626.2); c.393G>C, p.Glu131Asp (NM_001350627.2); short protein forms E306D, E131D.
Identifiers: ClinVar variation 938087 (VCV000938087.8), dbSNP rs1236822187, ClinGen allele CA366630825.